The following is an entry in ClinVar:

NM_000092.5(COL4A4):c.2137_2164+23del

Gene: COL4A4 (collagen type IV alpha 4 chain; minus strand). Cytogenetic location: 2q36.3.
Variant type: Deletion.
Coding change: c.2137_2164+23del on transcript NM_000092.5 (MANE Select); coding-DNA position 2137 through 23 bases into the intron after coding-DNA position 2164, 51 bases deleted.
Molecular consequence: splice donor variant.
Genome position (GRCh38, 1-based): chr2:227,060,113-227,060,163, 51 bases deleted. GRCh37 (hg19): chr2:227,924,829-227,924,879.
Identifiers: ClinVar variation 3647615 (VCV003647615.2).

ClinVar aggregate classification (germline): Likely pathogenic (1 of 4 stars; one submission).

Submission:

Labcorp Genetics (formerly Invitae), Labcorp
Classification: Likely pathogenic. Last evaluated: 2024-03-25. Review status: criteria provided, single submitter. Criteria: Invitae Variant Classification Sherloc (09022015). Collection method: clinical testing. Allele origin: germline.
Comment: This variant results in the deletion of part of exon 27 of the COL4A4 gene. It is expected to disrupt RNA splicing. Variants that disrupt the donor or acceptor splice site typically lead to a loss of protein function (PMID: 16199547), and loss-of-function variants in COL4A4 are known to be pathogenic (PMID: 21196518, 24854265, 25307543). This variant is not present in population databases (gnomAD no frequency). This variant has not been reported in the literature in individuals affected with COL4A4-related conditions. In summary, the currently available evidence indicates that the variant is pathogenic, but additional data are needed to prove that conclusively. Therefore, this variant has been classified as Likely Pathogenic.

Literature cited by the submitters: PubMed 16199547; PubMed 21196518; PubMed 24854265; PubMed 25307543.